The following is an entry in ClinVar:

NM_000059.4(BRCA2):c.7297C>T (p.Gln2433Ter)

Gene: BRCA2 (BRCA2 DNA repair associated; plus strand). Cytogenetic location: 13q13.1.
Variant type: single nucleotide variant.
Coding change: c.7297C>T on transcript NM_000059.4 (MANE Select); coding-DNA position 7297, C replaced by T.
Protein change: p.Gln2433Ter; replaces glutamine 2433 with a stop codon.
Molecular consequence: nonsense.
Genome position (GRCh38, 1-based): chr13:32,355,150, C>T. VCF-style: chr13-32355150-C-T. GRCh37 (hg19) VCF-style: chr13-32929287-C-T.
Other names: c.7201C>T, p.Gln2401Ter (NM_001406719.1); c.7297C>T, p.Gln2433Ter (NM_001406720.1); c.2365C>T, p.Gln789Ter (NM_001406721.1); c.880C>T, p.Gln294Ter (NM_001406722.1); short protein forms Q2401*, Q2433*, Q294*, Q789*.
Identifiers: ClinVar variation 1709685 (VCV001709685.2), dbSNP rs2137557757, ClinGen allele CA387740866.

ClinVar aggregate classification (germline): Likely pathogenic (1 of 4 stars; one submission).

Conditions:
Familial cancer of breast. Also called: Hereditary breast cancer; BREAST CANCER, FAMILIAL; hereditary breast carcinoma. Identifiers: Orphanet 227535, MedGen C0346153, MONDO:0016419, OMIM 114480. Disease mechanism: loss of function.

Submission:

MGZ Medical Genetics Center
Classification: Likely pathogenic for Familial cancer of breast. Last evaluated: 2022-07-29. Review status: criteria provided, single submitter. Criteria: ACMG Guidelines, 2015. Collection method: clinical testing. Allele origin: germline. Affected: yes. Observed: 2 variant alleles.
Comment: ACMG criteria applied: PVS1, PM2_SUP